The following is an entry in ClinVar:

ClinVar aggregate classification (germline): Pathogenic. Review status: criteria provided, multiple submitters, no conflicts (2 of 4 stars). 2 submissions from 2 submitters: Pathogenic (2). Last evaluated 2025-08-05.

Conditions:
CFTR-related disorder (CFTR-RD). Also called: CFTR-related condition; CFTR-related disorders. Identifiers: MedGen C5924204, MONDO:7770004.
Cystic fibrosis (CF). Also called: MUCOVISCIDOSIS. Identifiers: Orphanet 586, MedGen C0010674, MONDO:0009061, OMIM 219700. Disease mechanism: loss of function.

Submissions (2):

Natera, Inc.
Classification: Pathogenic for CFTR-related disorders. Last evaluated: 2025-08-05. Review status: criteria provided, single submitter. Criteria: Natera Variant Classification Schema (03/2026). Collection method: clinical testing. Allele origin: germline.
Comment: The c.3434G>A variant in CFTR is a nonsense variant predicted to introduce a stop codon at amino acid 1145. This variant is expected to result in nonsense mediated decay, truncation, or a dysfunctional protein product. This variant is rare in the general population with a frequency below the threshold expected for the associated phenotype(s). This variant has been observed in one or more individuals affected with the associated recessive disease, as either homozygous or compound heterozygous with a second variant (PMID: 32732330). Given the available evidence, this variant is classified as Pathogenic.

Ambry Genetics
Classification: Pathogenic for Cystic fibrosis. Last evaluated: 2015-04-30. Review status: criteria provided, single submitter. Criteria: Ambry Variant Classification Scheme 2023. Collection method: clinical testing. Allele origin: germline.
Comment: The p.W1145* pathogenic mutation (also known as c.3434G>A and c.3435G>A) located in coding exon 21 of the CFTR gene, results from a G to A substitution at nucleotide position 3434. This changes the amino acid from a tryptophan to a stop codon within coding exon 21. One study reported this mutation in a patient with pancreatic insufficiency and mild lung disease (Seia et al. Hum Mutat.2000;16(6):532-3). Since premature stop codons are typically deleterious in nature, this alteration is interpreted as a disease-causing mutation (ACMG Recommendations for Standards for Interpretation and Reporting of Sequence Variations. Revision 2007. Genet Med. 2008;10:294).

Literature cited by the submitters: PubMed 32732330 (cited by Natera, Inc.).

NM_000492.4(CFTR):c.3434G>A (p.Trp1145Ter)

Genes: CFTR (CF transmembrane conductance regulator; plus strand), CFTR-AS2 (CFTR antisense RNA 2; minus strand). Cytogenetic location: 7q31.2.
Variant type: single nucleotide variant.
Coding change: c.3434G>A on transcript NM_000492.4 (MANE Select); coding-DNA position 3434, G replaced by A.
Protein change: p.Trp1145Ter; replaces tryptophan 1145 with a stop codon.
Molecular consequence: nonsense.
Genome position (GRCh38, 1-based): chr7:117,614,679, G>A. VCF-style: chr7-117614679-G-A. GRCh37 (hg19) VCF-style: chr7-117254733-G-A.
Other names: short protein forms W1145*.
Identifiers: ClinVar variation 1731404 (VCV001731404.3), dbSNP rs1274368655, ClinGen allele CA368993596.